The following is an entry in ClinVar:

NM_017654.4(SAMD9):c.673G>A (p.Ala225Thr)

Gene: SAMD9 (sterile alpha motif domain containing 9; minus strand). Cytogenetic location: 7q21.2.
Variant type: single nucleotide variant.
Coding change: c.673G>A on transcript NM_017654.4 (MANE Select); coding-DNA position 673, G replaced by A.
Protein change: p.Ala225Thr; replaces alanine 225 with threonine.
Molecular consequence: missense variant.
Genome position (GRCh38, 1-based): chr7:93,105,425, C>T on the plus strand (G>A on the coding strand, the complement: SAMD9 is on the minus strand). VCF-style: chr7-93105425-C-T. GRCh37 (hg19) VCF-style: chr7-92734738-C-T.
Other names: c.673G>A, p.Ala225Thr (NM_001193307.2); short protein forms A225T.
Identifiers: ClinVar variation 4802487 (VCV004802487.1).

ClinVar aggregate classification (germline): Uncertain significance (1 of 4 stars; one submission).

Submission:

Labcorp Genetics (formerly Invitae), Labcorp
Classification: Uncertain significance. Last evaluated: 2025-12-22. Review status: criteria provided, single submitter. Criteria: Invitae Variant Classification Sherloc (09022015). Collection method: clinical testing. Allele origin: germline.
Comment: This sequence change replaces alanine, which is neutral and non-polar, with threonine, which is neutral and polar, at codon 225 of the SAMD9 protein (p.Ala225Thr). This variant is not present in population databases (gnomAD no frequency). This variant has not been reported in the literature in individuals affected with SAMD9-related conditions. Invitae Evidence Modeling of protein sequence and biophysical properties (such as structural, functional, and spatial information, amino acid conservation, physicochemical variation, residue mobility, and thermodynamic stability) has been performed for this missense variant. However, the output from this modeling did not meet the statistical confidence thresholds required to predict the impact of this variant on SAMD9 protein function. In summary, the available evidence is currently insufficient to determine the role of this variant in disease. Therefore, it has been classified as a Variant of Uncertain Significance.